The following is an entry in ClinVar:

ClinVar aggregate classification (germline): Pathogenic (1 of 4 stars; one submission).

Submission:

GeneDx
Classification: Pathogenic. Last evaluated: 2025-07-30. Review status: criteria provided, single submitter. Criteria: GeneDx Variant Classification Process June 2021. Collection method: clinical testing. Allele origin: germline. Affected: yes.
Comment: Identified in an individual with nemaline myopathy in published literature (PMID: 19562689); Not observed at significant frequency in large population cohorts (gnomAD); Missense variants in this gene are a common cause of disease and they are underrepresented in the general population; In silico analysis supports that this missense variant has a deleterious effect on protein structure/function; This variant is associated with the following publications: (PMID: 19562689, 38684297)

NM_001100.4(ACTA1):c.547G>A (p.Ala183Thr)

Gene: ACTA1 (actin alpha 1, skeletal muscle; minus strand). Cytogenetic location: 1q42.13.
Variant type: single nucleotide variant.
Coding change: c.547G>A on transcript NM_001100.4 (MANE Select); coding-DNA position 547, G replaced by A.
Protein change: p.Ala183Thr; replaces alanine 183 with threonine.
Molecular consequence: missense variant.
Genome position (GRCh38, 1-based): chr1:229,432,339, C>T on the plus strand (G>A on the coding strand, the complement: ACTA1 is on the minus strand). VCF-style: chr1-229432339-C-T. GRCh37 (hg19) VCF-style: chr1-229568086-C-T.
Other names: short protein forms A183T.
Identifiers: ClinVar variation 4690201 (VCV004690201.1).